The following is an entry in ClinVar:

NM_000268.4(NF2):c.407A>C (p.Glu136Ala)

Gene: NF2 (NF2, moesin-ezrin-radixin like (MERLIN) tumor suppressor; plus strand). Cytogenetic location: 22q12.2.
Variant type: single nucleotide variant.
Coding change: c.407A>C on transcript NM_000268.4 (MANE Select); coding-DNA position 407, A replaced by C.
Protein change: p.Glu136Ala; replaces glutamic acid 136 with alanine.
Molecular consequence: missense variant. On other transcripts: 5 prime UTR variant (1), non-coding transcript variant (1).
Genome position (GRCh38, 1-based): chr22:29,642,245, A>C. VCF-style: chr22-29642245-A-C. GRCh37 (hg19) VCF-style: chr22-30038234-A-C.
Other names: c.293A>C, p.Glu98Ala (NM_001407053.1, NM_001407056.1); c.284A>C, p.Glu95Ala (NM_001407054.1, NM_001407058.1, NM_001407062.1 and 1 more transcripts); c.281A>C, p.Glu94Ala (NM_001407055.1, NM_181828.3); c.407A>C, p.Glu136Ala (NM_001407057.1, NM_001407059.1, NM_001407060.1 and 5 more transcripts); c.158A>C, p.Glu53Ala (NM_001407063.1, NM_001407064.1, NM_181830.3 and 1 more transcripts); c.-234A>C (NM_001407065.1); c.176A>C, p.Glu59Ala (NM_001407067.1); short protein forms E136A, E95A, E59A, E98A, E53A, E94A.
Identifiers: ClinVar variation 4739861 (VCV004739861.1).

ClinVar aggregate classification (germline): Uncertain significance (1 of 4 stars; one submission).

Conditions:
Neurofibromatosis, type 2 (SWNV). Also called: BILATERAL ACOUSTIC NEUROFIBROMATOSIS; NF2-Related Schwannomatosis; SCHWANNOMATOSIS, VESTIBULAR. Identifiers: Orphanet 637, MedGen C0027832, MONDO:0007039, OMIM 101000. Disease mechanism: loss of function.

Submission:

Labcorp Genetics (formerly Invitae), Labcorp
Classification: Uncertain significance for Neurofibromatosis, type 2. Last evaluated: 2026-01-18. Review status: criteria provided, single submitter. Criteria: Invitae Variant Classification Sherloc (09022015). Collection method: clinical testing. Allele origin: germline.
Comment: This sequence change replaces glutamic acid, which is acidic and polar, with alanine, which is neutral and non-polar, at codon 136 of the NF2 protein (p.Glu136Ala). This variant is not present in population databases (gnomAD no frequency). This variant has not been reported in the literature in individuals affected with NF2-related conditions. Invitae Evidence Modeling of protein sequence and biophysical properties (such as structural, functional, and spatial information, amino acid conservation, physicochemical variation, residue mobility, and thermodynamic stability) indicates that this missense variant is expected to disrupt NF2 protein function with a positive predictive value of 80%. In summary, the available evidence is currently insufficient to determine the role of this variant in disease. Therefore, it has been classified as a Variant of Uncertain Significance.